The following is an entry in ClinVar:

ClinVar aggregate classification (germline): Uncertain significance. Review status: criteria provided, multiple submitters, no conflicts (2 of 4 stars). 5 submissions from 5 submitters: Uncertain significance (3). 2 of the submissions do not count toward it. Last evaluated 2025-09-10.

Conditions:
Inborn genetic diseases. Identifiers: MedGen C0950123, MeSH D030342.
Autosomal recessive nonsyndromic hearing loss 77. Identifiers: Orphanet 90636, MedGen C2746083, MONDO:0013119, OMIM 613079.

Allele frequency attached by ClinVar (database versions not stated): gnomAD exomes 0.00009 and 0.00027; ExAC 0.00010; gnomAD 0.00011; TOPMed 0.00012; ESP Exome Variant Server 0.00066.
gnomAD v4.1: 384 of 1,551,528 alleles (0.025%); highest among the groups gnomAD compares: Non-Finnish European, 0.032%; 1 homozygote.

Submissions (5):

Ambry Genetics
Classification: Uncertain significance for Inborn genetic diseases. Last evaluated: 2025-09-10. Review status: criteria provided, single submitter. Criteria: Ambry Variant Classification Scheme 2023. Collection method: clinical testing. Allele origin: germline.

Labcorp Genetics (formerly Invitae), Labcorp
Classification: Uncertain significance. Last evaluated: 2021-11-18. Review status: criteria provided, single submitter. Criteria: Invitae Variant Classification Sherloc (09022015). Collection method: clinical testing. Allele origin: germline.
Comment: This sequence change replaces lysine, which is basic and polar, with arginine, which is basic and polar, at codon 1734 of the LOXHD1 protein (p.Lys1734Arg). This variant is present in population databases (rs370816148, gnomAD 0.02%). This variant has not been reported in the literature in individuals affected with LOXHD1-related conditions. ClinVar contains an entry for this variant (Variation ID: 228831). Algorithms developed to predict the effect of missense changes on protein structure and function are either unavailable or do not agree on the potential impact of this missense change (SIFT: "Deleterious"; PolyPhen-2: "Probably Damaging"; Align-GVGD: "Class C0"). In summary, the available evidence is currently insufficient to determine the role of this variant in disease. Therefore, it has been classified as a Variant of Uncertain Significance.

Laboratory for Molecular Medicine, Mass General Brigham Personalized Medicine
Classification: Uncertain significance. Last evaluated: 2015-02-26. Review status: criteria provided, single submitter. Criteria: LMM Criteria. Collection method: clinical testing. Allele origin: germline. Observed: 1 variant allele.
Comment: The p.Lys1734Arg variant in LOXHD1 has not been previously reported in individua ls with hearing loss, but has been identified in 0.1% (2/2758) of African chromo somes by the Exome Aggregation Consortium (ExAC; dbSNP rs370816148). Although this variant has been seen in the general populati on, its frequency is not high enough to rule out a pathogenic role. Computationa l prediction tools and conservation analysis do not provide strong support for o r against an impact to the protein. In summary, the clinical significance of the p.Lys1734Arg variant is uncertain.

Natera, Inc.
Classification: Uncertain significance for Autosomal recessive deafness type 77. Last evaluated: 2020-01-17. Review status: no assertion criteria provided. Collection method: clinical testing. Allele origin: germline. Not counted in ClinVar's aggregate classification.

Counsyl
Classification: Uncertain significance for Autosomal recessive nonsyndromic hearing loss 77. Last evaluated: 2018-05-23. Review status: no assertion criteria provided. Collection method: clinical testing. Allele origin: unknown. Not counted in ClinVar's aggregate classification.

NM_001384474.1(LOXHD1):c.5387A>G (p.Lys1796Arg)

Gene: LOXHD1 (lipoxygenase homology PLAT domains 1; minus strand). Cytogenetic location: 18q21.1.
Variant type: single nucleotide variant.
Coding change: c.5387A>G on transcript NM_001384474.1 (MANE Select); coding-DNA position 5387, A replaced by G.
Protein change: p.Lys1796Arg; replaces lysine 1796 with arginine.
Molecular consequence: missense variant.
Genome position (GRCh38, 1-based): chr18:46,518,141, T>C on the plus strand (A>G on the coding strand, the complement: LOXHD1 is on the minus strand). VCF-style: chr18-46518141-T-C. GRCh37 (hg19) VCF-style: chr18-44098104-T-C.
Other names: c.2054A>G, p.Lys685Arg (NM_001145472.3); c.104A>G, p.Lys35Arg (NM_001145473.3, NM_001173129.2); c.1766A>G, p.Lys589Arg (NM_001308013.2); c.5201A>G, p.Lys1734Arg (NM_144612.7); short protein forms K1734R, K35R, K589R, K685R, K1796R.
Identifiers: ClinVar variation 228831 (VCV000228831.15), dbSNP rs370816148, ClinGen allele CA8952208.